The following is an entry in ClinVar:

NM_001042492.3(NF1):c.5459T>C (p.Ile1820Thr)

Gene: NF1 (neurofibromin 1; plus strand). Cytogenetic location: 17q11.2.
Variant type: single nucleotide variant.
Coding change: c.5459T>C on transcript NM_001042492.3 (MANE Select); coding-DNA position 5459, T replaced by C.
Protein change: p.Ile1820Thr; replaces isoleucine 1820 with threonine.
Molecular consequence: missense variant.
Genome position (GRCh38, 1-based): chr17:31,327,689, T>C. VCF-style: chr17-31327689-T-C. GRCh37 (hg19) VCF-style: chr17-29654707-T-C.
Other names: c.5396T>C, p.Ile1799Thr (NM_000267.4); short protein forms I1820T, I1799T.
Identifiers: ClinVar variation 648166 (VCV000648166.14), dbSNP rs1597832129, ClinGen allele CA399009491.
Genomic context (GRCh38, chr17:31,327,689, plus strand): 5'-CCTTAACCATTGCAAACCAGGGCACGCCGCTCACCTTCATGCACCAGGAGTGTGAAGCCA[T>C]TGTCCAGTCTATCATTCATATCCGGACCCGCTGGGAACTGTCACAGCCCGACTCTATCCC-3'
Protein context (NP_001035957.1, residues 1810-1830): LTFMHQECEA[Ile1820Thr]VQSIIHIRTR

ClinVar aggregate classification (germline): Uncertain significance. Review status: criteria provided, multiple submitters, no conflicts (2 of 4 stars). 4 submissions from 4 submitters: Uncertain significance (4). Last evaluated 2025-12-03.

Conditions:
Cardiovascular phenotype. Identifiers: MedGen CN230736.
Hereditary cancer-predisposing syndrome. Also called: Hereditary Cancer Syndrome; Tumor predisposition; Neoplastic Syndromes, Hereditary; Hereditary neoplastic syndrome. Identifiers: Orphanet 140162, MedGen C0027672, MeSH D009386, MONDO:0015356.
Neurofibromatosis, type 1 (NF1). Also called: VON RECKLINGHAUSEN DISEASE; Neurofibromatosis, type I; NEUROFIBROMATOSIS, TYPE I, SOMATIC; Peripheral type neurofibromatosis. Identifiers: Orphanet 636, MedGen C0027831, MONDO:0018975, OMIM 162200. Disease mechanism: loss of function.

Submissions (4):

Labcorp Genetics (formerly Invitae), Labcorp
Classification: Uncertain significance for Neurofibromatosis, type 1. Last evaluated: 2025-12-03. Review status: criteria provided, single submitter. Criteria: Invitae Variant Classification Sherloc (09022015). Collection method: clinical testing. Allele origin: germline.
Comment: This sequence change replaces isoleucine, which is neutral and non-polar, with threonine, which is neutral and polar, at codon 1799 of the NF1 protein (p.Ile1799Thr). This variant is not present in population databases (gnomAD no frequency). This variant has not been reported in the literature in individuals affected with NF1-related conditions. ClinVar contains an entry for this variant (Variation ID: 648166). Invitae Evidence Modeling of protein sequence and biophysical properties (such as structural, functional, and spatial information, amino acid conservation, physicochemical variation, residue mobility, and thermodynamic stability) indicates that this missense variant is expected to disrupt NF1 protein function with a positive predictive value of 95%. In summary, the available evidence is currently insufficient to determine the role of this variant in disease. Therefore, it has been classified as a Variant of Uncertain Significance.

Ambry Genetics
Classification: Uncertain significance for Cardiovascular phenotype; Hereditary cancer-predisposing syndrome. Last evaluated: 2025-07-14. Review status: criteria provided, single submitter. Criteria: Ambry Variant Classification Scheme 2023. Collection method: clinical testing. Allele origin: germline.
Comment: The p.I1799T variant (also known as c.5396T>C), located in coding exon 37 of the NF1 gene, results from a T to C substitution at nucleotide position 5396. The isoleucine at codon 1799 is replaced by threonine, an amino acid with similar properties. This amino acid position is highly conserved in available vertebrate species. In addition, this alteration is predicted to be deleterious by in silico analysis. Since supporting evidence is limited at this time, the clinical significance of this alteration remains unclear.

GeneDx
Classification: Uncertain significance. Last evaluated: 2024-12-15. Review status: criteria provided, single submitter. Criteria: GeneDx Variant Classification Process June 2021. Collection method: clinical testing. Allele origin: germline. Affected: yes.
Comment: Not observed at significant frequency in large population cohorts (gnomAD); In silico analysis supports that this missense variant has a deleterious effect on protein structure/function; Has not been previously published as pathogenic or benign to our knowledge; This variant is associated with the following publications: (PMID: Douben2023[Functional study])

Genome-Nilou Lab
Classification: Uncertain significance for Neurofibromatosis, type 1. Last evaluated: 2022-03-15. Review status: criteria provided, single submitter. Criteria: ACMG Guidelines, 2015. Collection method: clinical testing. Allele origin: germline. Affected: no.